The following is an entry in ClinVar:

ClinVar aggregate classification (germline): Uncertain significance (1 of 4 stars; one submission).

Conditions:
Tuberous sclerosis 2 (TSC2). Identifiers: Orphanet 805, MedGen C1860707, MONDO:0013199, OMIM 613254.

Submission:

Labcorp Genetics (formerly Invitae), Labcorp
Classification: Uncertain significance for Tuberous sclerosis 2. Last evaluated: 2026-01-16. Review status: criteria provided, single submitter. Criteria: Invitae Variant Classification Sherloc (09022015). Collection method: clinical testing. Allele origin: germline.
Comment: This sequence change replaces methionine, which is neutral and non-polar, with lysine, which is basic and polar, at codon 286 of the TSC2 protein (p.Met286Lys). This variant is not present in population databases (gnomAD no frequency). This variant has not been reported in the literature in individuals affected with TSC2-related conditions. Invitae Evidence Modeling of protein sequence and biophysical properties (such as structural, functional, and spatial information, amino acid conservation, physicochemical variation, residue mobility, and thermodynamic stability) indicates that this missense variant is not expected to disrupt TSC2 protein function with a negative predictive value of 95%. In summary, the available evidence is currently insufficient to determine the role of this variant in disease. Therefore, it has been classified as a Variant of Uncertain Significance.

NM_000548.5(TSC2):c.857T>A (p.Met286Lys)

Gene: TSC2 (TSC complex subunit 2; plus strand). Cytogenetic location: 16p13.3.
Variant type: single nucleotide variant.
Coding change: c.857T>A on transcript NM_000548.5 (MANE Select); coding-DNA position 857, T replaced by A.
Protein change: p.Met286Lys; replaces methionine 286 with lysine.
Molecular consequence: missense variant. On other transcripts: 5 prime UTR variant (10), non-coding transcript variant (5).
Genome position (GRCh38, 1-based): chr16:2,058,755, T>A. VCF-style: chr16-2058755-T-A. GRCh37 (hg19) VCF-style: chr16-2108756-T-A.
Other names: c.857T>A, p.Met286Lys (NM_001077183.3, NM_001114382.3, NM_001363528.2 and 6 more transcripts); c.746T>A, p.Met249Lys (NM_001318827.2, NM_001406678.1, NM_001406670.1); c.710T>A, p.Met237Lys (NM_001318829.2, NM_001406675.1, NM_001406676.1 and 1 more transcripts); c.257T>A, p.Met86Lys (NM_001318831.2, NM_001406680.1, NM_001406682.1 and 6 more transcripts); c.890T>A, p.Met297Lys (NM_001318832.2); c.845T>A, p.Met282Lys (NM_001406673.1, NM_001406671.1); c.800T>A, p.Met267Lys (NM_001406677.1); c.395T>A, p.Met132Lys (NM_001406681.1); and 4 more; short protein forms M132K, M237K, M249K, M267K, M282K, M286K, M297K, M316K.
Identifiers: ClinVar variation 4802840 (VCV004802840.1).